The following is an entry in ClinVar:

NM_000497.4(CYP11B1):c.398del (p.Asn133fs)

Genes: CYP11B1 (cytochrome P450 family 11 subfamily B member 1; minus strand), LOC106799833 (CYP11B1 recombination region; plus strand). Cytogenetic location: 8q24.3.
Variant type: Deletion.
Coding change: c.398del on transcript NM_000497.4 (MANE Select); coding-DNA position 398, one base deleted (A; older notation c.398delA).
Protein change: p.Asn133fs; shifts the reading frame from asparagine 133.
Molecular consequence: frameshift variant.
Genome position (GRCh38, 1-based): chr8:142,877,220, T deleted on the plus strand (A on the coding strand, the reverse complement: CYP11B1 is on the minus strand); the first of 2 consecutive T bases (chr8:142,877,220-142,877,221); deleting either gives the same sequence. VCF-style (leftmost placement, unchanged base first): chr8-142877219-AT-A. GRCh37 (hg19) VCF-style: chr8-143958635-AT-A.
Other names: c.398del, p.Asn133fs (NM_001026213.1); short protein forms N133fs.
Identifiers: ClinVar variation 3724986 (VCV003724986.3).

ClinVar aggregate classification (germline): Pathogenic. Review status: criteria provided, multiple submitters, no conflicts (2 of 4 stars). 2 submissions from 2 submitters: Pathogenic (2). Last evaluated 2026-07-29.

Conditions:
Deficiency of steroid 11-beta-monooxygenase (CYP11B1). Also called: ADRENAL HYPERPLASIA, CONGENITAL, DUE TO STEROID 11-BETA-HYDROXYLASE DEFICIENCY; 11-BETA-HYDROXYLASE DEFICIENCY; P450C11B1 DEFICIENCY; STEROID 11-BETA-HYDROXYLASE DEFICIENCY; Congenital adrenal hyperplasia due to 11-beta-hydroxylase deficiency; ADRENAL HYPERPLASIA IV. Identifiers: Orphanet 90795, MedGen C0268292, MONDO:0008729, OMIM 202010. Disease mechanism: loss of function.

Submissions (2):

Myriad Genetics, Inc.
Classification: Pathogenic for Deficiency of steroid 11-beta-monooxygenase. Last evaluated: 2026-07-29. Review status: criteria provided, single submitter. Criteria: Myriad Autosomal Dominant, Autosomal Recessive and X-Linked Classification Criteria (2023). Collection method: clinical testing. Allele origin: unknown.
Comment: NM_000497.3(CYP11B1):c.398delA(N133Mfs*12) is expected to be pathogenic in the context of congenital adrenal hyperplasia, CYP11B1-related. This variant is predicted to lead to an abnormal or absent protein product due to the creation of a premature termination codon in CYP11B1, a gene where loss-of-function variants are known to be pathogenic. Please note: this variant was assessed in the context of healthy population screening.

Labcorp Genetics (formerly Invitae), Labcorp
Classification: Pathogenic. Last evaluated: 2024-11-11. Review status: criteria provided, single submitter. Criteria: Invitae Variant Classification Sherloc (09022015). Collection method: clinical testing. Allele origin: germline.
Comment: This sequence change creates a premature translational stop signal (p.Asn133Metfs*12) in the CYP11B1 gene. It is expected to result in an absent or disrupted protein product. Loss-of-function variants in CYP11B1 are known to be pathogenic (PMID: 8506298, 26476331). This variant is not present in population databases (gnomAD no frequency). This variant has not been reported in the literature in individuals affected with CYP11B1-related conditions. For these reasons, this variant has been classified as Pathogenic.

Literature cited by the submitters: PubMed 8506298 (cited by Labcorp Genetics (formerly Invitae), Labcorp); PubMed 26476331 (cited by Labcorp Genetics (formerly Invitae), Labcorp).